The following is an entry in ClinVar:

ClinVar aggregate classification (germline): Uncertain significance (1 of 4 stars; one submission).

Conditions:
Duchenne muscular dystrophy (DMD). Also called: MUSCULAR DYSTROPHY, PSEUDOHYPERTROPHIC PROGRESSIVE, DUCHENNE TYPE; Duchenne Muscular Dystrophy (DMD). Identifiers: Orphanet 98896, MedGen C0013264, MONDO:0010679, OMIM 310200.

Submission:

Labcorp Genetics (formerly Invitae), Labcorp
Classification: Uncertain significance for Duchenne muscular dystrophy. Last evaluated: 2024-01-19. Review status: criteria provided, single submitter. Criteria: Invitae Variant Classification Sherloc (09022015). Collection method: clinical testing. Allele origin: germline.
Comment: This sequence change replaces glutamic acid, which is acidic and polar, with alanine, which is neutral and non-polar, at codon 772 of the DMD protein (p.Glu772Ala). This variant is not present in population databases (gnomAD no frequency). This variant has not been reported in the literature in individuals affected with DMD-related conditions. Advanced modeling of protein sequence and biophysical properties (such as structural, functional, and spatial information, amino acid conservation, physicochemical variation, residue mobility, and thermodynamic stability) performed at Invitae indicates that this missense variant is not expected to disrupt DMD protein function with a negative predictive value of 95%. In summary, the available evidence is currently insufficient to determine the role of this variant in disease. Therefore, it has been classified as a Variant of Uncertain Significance.

NM_004006.3(DMD):c.2315A>C (p.Glu772Ala)

Gene: DMD (dystrophin; minus strand). Cytogenetic location: Xp21.1.
Variant type: single nucleotide variant.
Coding change: c.2315A>C on transcript NM_004006.3 (MANE Select); coding-DNA position 2315, A replaced by C.
Protein change: p.Glu772Ala; replaces glutamic acid 772 with alanine.
Molecular consequence: missense variant.
Genome position (GRCh38, 1-based): chrX:32,501,820, T>G on the plus strand (A>C on the coding strand, the complement: DMD is on the minus strand). VCF-style: chrX-32501820-T-G. GRCh37 (hg19) VCF-style: chrX-32519937-T-G.
Other names: c.2291A>C, p.Glu764Ala (NM_000109.4); c.2303A>C, p.Glu768Ala (NM_004009.3); c.1946A>C, p.Glu649Ala (NM_004010.3); short protein forms E649A, E768A, E764A, E772A.
Identifiers: ClinVar variation 2710307 (VCV002710307.3), dbSNP rs2525249787, ClinGen allele CA412673686.